The following is an entry in ClinVar:

ClinVar aggregate classification (germline): Conflicting classifications of pathogenicity. Review status: criteria provided, conflicting classifications (1 of 4 stars). 9 submissions from 9 submitters: Uncertain significance (4); Likely benign (4). 1 of the submissions does not count toward it. Last evaluated 2026-01-05.

Conditions:
CACNA1A-related disorder. Also called: CACNA1A-related condition.
Developmental and epileptic encephalopathy, 42 (DEE42A). Also called: Epileptic encephalopathy, early infantile, 42; DEVELOPMENTAL AND EPILEPTIC ENCEPHALOPATHY 42A; EPILEPTIC ENCEPHALOPATHY, EARLY INFANTILE, 42A. Identifiers: MedGen C4310716, MONDO:0014917, OMIM 617106.
Episodic ataxia type 2 (EA2). Also called: ACETAZOLAMIDE-RESPONSIVE HEREDITARY PAROXYSMAL CEREBELLAR ATAXIA; ATAXIA, EPISODIC, WITH NYSTAGMUS; ATAXIA, FAMILIAL PAROXYSMAL; CEREBELLAR ATAXIA, PAROXYSMAL, ACETAZOLAMIDE-RESPONSIVE; CEREBELLOPATHY, HEREDITARY PAROXYSMAL; EPISODIC ATAXIA, NYSTAGMUS-ASSOCIATED. Identifiers: Orphanet 97, MedGen C1720416, MONDO:0007163, OMIM 108500.
Inborn genetic diseases. Identifiers: MedGen C0950123, MeSH D030342.

Allele frequency attached by ClinVar (database versions not stated): gnomAD exomes 0.00002; ExAC 0.00019; 1000 Genomes Project 0.00060; 1000 Genomes Project 30x 0.00062.
gnomAD v4.1: 95 of 1,389,252 alleles (0.0068%); highest among the groups gnomAD compares: African/African-American, 0.085%; 1 homozygote.

Submissions (9):

Labcorp Genetics (formerly Invitae), Labcorp
Classification: Likely benign for Developmental and epileptic encephalopathy, 42; Episodic ataxia type 2. Last evaluated: 2026-01-05. Review status: criteria provided, single submitter. Criteria: Invitae Variant Classification Sherloc (09022015). Collection method: clinical testing. Allele origin: germline.

CeGaT Center for Human Genetics Tuebingen
Classification: Uncertain significance. Last evaluated: 2025-12-01. Review status: criteria provided, single submitter. Criteria: CeGaT Center For Human Genetics Tuebingen Variant Classification Criteria Version 2. Collection method: clinical testing. Allele origin: germline. Affected: yes. Observed: 3 variant alleles.
Comment: CACNA1A: PP2

Blueprint Genetics
Classification: Uncertain significance. Last evaluated: 2024-11-01. Review status: criteria provided, single submitter. Criteria: ACMG Guidelines, 2015. Collection method: clinical testing. Allele origin: germline.

Athena Diagnostics
Classification: Likely benign. Last evaluated: 2024-08-08. Review status: criteria provided, single submitter. Criteria: Athena Diagnostics Criteria. Collection method: clinical testing. Allele origin: unknown.

Ambry Genetics
Classification: Likely benign for Inborn genetic diseases. Last evaluated: 2021-07-28. Review status: criteria provided, single submitter. Criteria: Ambry Variant Classification Scheme 2023. Collection method: clinical testing. Allele origin: germline.

Women's Health and Genetics/Laboratory Corporation of America, LabCorp
Classification: Likely benign. Last evaluated: 2021-01-20. Review status: criteria provided, single submitter. Criteria: LabCorp Variant Classification Summary - May 2015. Collection method: clinical testing. Allele origin: germline.
Comment: Variant summary: CACNA1A c.6467G>T (p.Arg2156Leu) results in a non-conservative amino acid change in the encoded protein sequence. Four of five in-silico tools predict a benign effect of the variant on protein function. The variant allele was found at a frequency of 0.00022 in 150934 control chromosomes, predominantly at a frequency of 0.00058 (i.e. 24/41442 alleles) within the African or African-American subpopulation in the gnomAD v3.1 database. The number of occurrences is higher than expected for a pathogenic variant causing Early Infantile Epileptic Encephalopathy-42 (EE42), which tends to be a high penetrance, early onset disease (OMIM). To our knowledge, no occurrence of c.6467G>T in individuals affected with EE42 and no experimental evidence demonstrating its impact on protein function have been reported. Five clinical diagnostic laboratories have submitted clinical-significance assessments for this variant to ClinVar after 2014, and classified the variant as VUS (4x) or likely benign (1x). One of the ClinVar submitters cited evidence of lack of segregation with disease in a family study (SCV000848682.3) while another ClinVar submitter cited a homozygous occurrence of the variant in one individual undergoing testing (SCV000528812.3). Based on the evidence outlined above, the variant was classified as likely benign.

GeneDx
Classification: Uncertain significance. Last evaluated: 2017-10-24. Review status: criteria provided, single submitter. Criteria: GeneDx Variant Classification (06012015). Collection method: clinical testing. Allele origin: germline. Affected: yes.
Comment: A variant of uncertain significance has been identified in the CACNA1A gene. The R2156L variant has not been published as a pathogenic variant, nor has it been reported as a benign variant to our knowledge. The R2156L variantis observed in 1/1162 (0.09%) alleles from individuals of Ashkenazi Jewish background and 3/12,428 (0.02%) alleles from individuals of African background, including 1 homozygous individual undergoing testing at GeneDx (Lek et al., 2016). The R2156L variant is a non-conservative amino acid substitution, which is likely to impact secondary protein structure as these residues differ in polarity, charge, size and/or other properties. This substitution occurs at a position where amino acids with similar properties to Arginine are tolerated across species. In silico analysis is inconsistent in its predictions as to whether or not the variant is damaging to the protein structure/function. Therefore, based on the currently available information, it is unclear whether this variant is a pathogenic variant or a rare benignvariant.

Eurofins Ntd Llc (ga)
Classification: Uncertain significance. Last evaluated: 2016-08-11. Review status: criteria provided, single submitter. Criteria: EGL Classification Definitions 2015. Collection method: clinical testing. Allele origin: germline. Observed: 1 variant allele, 1 heterozygote.

PreventionGenetics, part of Exact Sciences
Classification: Likely benign for CACNA1A-related condition. Last evaluated: 2024-07-30. Review status: no assertion criteria provided. Collection method: clinical testing. Allele origin: germline. Not counted in ClinVar's aggregate classification.
Comment: This variant is classified as likely benign based on ACMG/AMP sequence variant interpretation guidelines (Richards et al. 2015 PMID: 25741868, with internal and published modifications).

Literature cited by the submitters: PubMed 36973604 (cited by Athena Diagnostics).

NM_001127222.2(CACNA1A):c.6464G>T (p.Arg2155Leu)

Gene: CACNA1A (calcium voltage-gated channel subunit alpha1 A; minus strand). Cytogenetic location: 19p13.13.
Variant type: single nucleotide variant.
Coding change: c.6464G>T on transcript NM_001127222.2 (MANE Select); coding-DNA position 6464, G replaced by T.
Protein change: p.Arg2155Leu; replaces arginine 2155 with leucine.
Molecular consequence: missense variant.
Genome position (GRCh38, 1-based): chr19:13,209,374, C>A on the plus strand (G>T on the coding strand, the complement: CACNA1A is on the minus strand). VCF-style: chr19-13209374-C-A. GRCh37 (hg19) VCF-style: chr19-13320188-C-A.
Other names: c.6467G>T (NM_000068.2); c.6482G>T, p.Arg2161Leu (NM_000068.4, NM_023035.3); c.6467G>T, p.Arg2156Leu (NM_001127221.2); c.6473G>T, p.Arg2158Leu (NM_001174080.2); c.6464G>T (NM_001127222.1); short protein forms R2156L, R2155L, R2158L, R2161L.
Identifiers: ClinVar variation 289416 (VCV000289416.62), dbSNP rs572722130, ClinGen allele CA9239357.